The following is an entry in ClinVar:

ClinVar aggregate classification (germline): Uncertain significance (1 of 4 stars; one submission).

Conditions:
Spondyloepiphyseal dysplasia with congenital joint dislocations (SEDCJD). Also called: Chondrodysplasia with Congenital Joint Dislocations, CHST3-Related. Identifiers: Orphanet 263463, MedGen C1837657, MONDO:0007738, OMIM 143095.

Allele frequency attached by ClinVar (database versions not stated): ExAC 0.00001; gnomAD 0.00001; TOPMed 0.00001.

Submission:

Labcorp Genetics (formerly Invitae), Labcorp
Classification: Uncertain significance for Spondyloepiphyseal dysplasia with congenital joint dislocations. Last evaluated: 2022-03-19. Review status: criteria provided, single submitter. Criteria: Invitae Variant Classification Sherloc (09022015). Collection method: clinical testing. Allele origin: germline.
Comment: In summary, the available evidence is currently insufficient to determine the role of this variant in disease. Therefore, it has been classified as a Variant of Uncertain Significance. Algorithms developed to predict the effect of missense changes on protein structure and function are either unavailable or do not agree on the potential impact of this missense change (SIFT: "Deleterious"; PolyPhen-2: "Probably Damaging"; Align-GVGD: "Class C0"). This variant has not been reported in the literature in individuals affected with CHST3-related conditions. This variant is present in population databases (rs149671252, gnomAD 0.001%). This sequence change replaces aspartic acid, which is acidic and polar, with glutamic acid, which is acidic and polar, at codon 199 of the CHST3 protein (p.Asp199Glu).

NM_004273.5(CHST3):c.597C>A (p.Asp199Glu)

Gene: CHST3 (carbohydrate sulfotransferase 3; plus strand). Cytogenetic location: 10q22.1.
Variant type: single nucleotide variant.
Coding change: c.597C>A on transcript NM_004273.5 (MANE Select); coding-DNA position 597, C replaced by A.
Protein change: p.Asp199Glu; replaces aspartic acid 199 with glutamic acid.
Molecular consequence: missense variant.
Genome position (GRCh38, 1-based): chr10:72,007,628, C>A. VCF-style: chr10-72007628-C-A. GRCh37 (hg19) VCF-style: chr10-73767386-C-A.
Other names: short protein forms D199E.
Identifiers: ClinVar variation 2153996 (VCV002153996.4), dbSNP rs149671252, ClinGen allele CA5548132.